The following is an entry in ClinVar:

ClinVar aggregate classification (germline): Uncertain significance (1 of 4 stars; one submission).

Allele frequency attached by ClinVar (database versions not stated): TOPMed below 0.00001.

Submission:

Labcorp Genetics (formerly Invitae), Labcorp
Classification: Uncertain significance. Last evaluated: 2024-04-29. Review status: criteria provided, single submitter. Criteria: Invitae Variant Classification Sherloc (09022015). Collection method: clinical testing. Allele origin: germline.
Comment: This sequence change falls in intron 35 of the DMXL2 gene. It does not directly change the encoded amino acid sequence of the DMXL2 protein. It affects a nucleotide within the consensus splice site. This variant is not present in population databases (gnomAD no frequency). This variant has not been reported in the literature in individuals affected with DMXL2-related conditions. ClinVar contains an entry for this variant (Variation ID: 1368904). Variants that disrupt the consensus splice site are a relatively common cause of aberrant splicing (PMID: 17576681, 9536098). Algorithms developed to predict the effect of sequence changes on RNA splicing suggest that this variant may disrupt the consensus splice site. In summary, the available evidence is currently insufficient to determine the role of this variant in disease. Therefore, it has been classified as a Variant of Uncertain Significance.

Literature cited by the submitters: PubMed 17576681; PubMed 9536098.

NM_001378457.1(DMXL2):c.8199-3C>T

Gene: DMXL2 (Dmx like 2; minus strand). Cytogenetic location: 15q21.2.
Variant type: single nucleotide variant.
Coding change: c.8199-3C>T on transcript NM_001378457.1 (MANE Select); 3 bases into the intron before coding-DNA position 8199, C replaced by T.
Molecular consequence: intron variant.
Genome position (GRCh38, 1-based): chr15:51,457,469, G>A on the plus strand (C>T on the coding strand, the complement: DMXL2 is on the minus strand). VCF-style: chr15-51457469-G-A. GRCh37 (hg19) VCF-style: chr15-51749666-G-A.
Other names: c.6114-3C>T (NM_001378460.1); c.6225-3C>T (NM_001174117.3); c.8133-3C>T (NM_015263.5); c.8196-3C>T (NM_001378458.1); c.7911-3C>T (NM_001378459.1); c.8136-3C>T (NM_001174116.3).
Identifiers: ClinVar variation 1368904 (VCV001368904.5), dbSNP rs1288929403, ClinGen allele CA490371012.